The following is an entry in ClinVar:

ClinVar aggregate classification (germline): Uncertain significance (1 of 4 stars; one submission).

Submission:

GeneDx
Classification: Uncertain significance. Last evaluated: 2026-03-29. Review status: criteria provided, single submitter. Criteria: GeneDx Variant Classification Process June 2021. Collection method: clinical testing. Allele origin: germline.
Comment: Not observed at significant frequency in large population cohorts (gnomAD); In-frame duplication of 3 amino acids in a non-repeat region; Has not been previously published as pathogenic or benign to our knowledge

NM_004700.4(KCNQ4):c.635TGCGCATGG[3] (p.Met217_Asp218insValArgMet)

Gene: KCNQ4 (potassium voltage-gated channel subfamily Q member 4; plus strand). Cytogenetic location: 1p34.2.
Variant type: Microsatellite.
Coding change: c.635TGCGCATGG[3] on transcript NM_004700.4 (MANE Select); three copies in a row of the 9-base unit TGCGCATGG starting at c.635; the reference has two copies in a row; one copy, 9 bases duplicated.
Protein change: p.Met217_Asp218insValArgMet.
Molecular consequence: inframe insertion.
Genome position (GRCh38, 1-based): chr1:40,818,616-40,818,624, TGCGCATGG duplicated; duplicating any 9 consecutive bases within chr1:40,818,607-40,818,624 gives the same sequence; the position shown is the placement nearest the transcript's 3' end. VCF-style (leftmost placement, unchanged base first): chr1-40818606-C-CTGCGCATGG. GRCh37 (hg19) VCF-style: chr1-41284278-C-CTGCGCATGG.
Other names: c.635TGCGCATGG[3], p.Met217_Asp218insValArgMet (NM_172163.3).
Identifiers: ClinVar variation 5017499 (VCV005017499.1).